The following is an entry in ClinVar:

NM_000428.3(LTBP2):c.3740G>A (p.Gly1247Asp)

Gene: LTBP2 (latent transforming growth factor beta binding protein 2; minus strand). Cytogenetic location: 14q24.3.
Variant type: single nucleotide variant.
Coding change: c.3740G>A on transcript NM_000428.3 (MANE Select); coding-DNA position 3740, G replaced by A.
Protein change: p.Gly1247Asp; replaces glycine 1247 with aspartic acid.
Molecular consequence: missense variant.
Genome position (GRCh38, 1-based): chr14:74,508,008, C>T on the plus strand (G>A on the coding strand, the complement: LTBP2 is on the minus strand). VCF-style: chr14-74508008-C-T. GRCh37 (hg19) VCF-style: chr14-74974711-C-T.
Other names: short protein forms G1247D.
Identifiers: ClinVar variation 1304479 (VCV001304479.2), dbSNP rs757079340, ClinGen allele CA7269057.
Genomic context (GRCh38, chr14:74,508,008, plus strand): 5'-TGTGCCCTCCCCCCAGAGCCCTTACCCACACACTCTCCACTCTCTGGGGAGGGCTGGAAG[C>T]CAGTCTCACATAGACAGTTGAAGGAGCCCTCGGTGTTGACACAGTGCCCTCCCACACACG-3'
Protein context (NP_000419.1, residues 1237-1257): EGSFNCLCET[Gly1247Asp]FQPSPESGEC

ClinVar aggregate classification (germline): Uncertain significance (1 of 4 stars; one submission).

Allele frequency attached by ClinVar (database versions not stated): gnomAD 0.00001; gnomAD exomes 0.00001 and 0.00003; ExAC 0.00004.
gnomAD v4.1: 15 of 1,613,788 alleles (0.00093%); highest among the groups gnomAD compares: South Asian, 0.016%; no homozygotes.

Submission:

GeneDx
Classification: Uncertain significance. Last evaluated: 2019-09-09. Review status: criteria provided, single submitter. Criteria: GeneDx Variant Classification Process June 2021. Collection method: clinical testing. Allele origin: germline. Affected: yes.
Comment: In silico analysis, which includes protein predictors and evolutionary conservation, supports a deleterious effect; Has not been previously published as pathogenic or benign to our knowledge